The following is an entry in ClinVar:

NM_003000.3(SDHB):c.143_144dup (p.Pro49fs)

Gene: SDHB (succinate dehydrogenase complex iron sulfur subunit B; minus strand). Cytogenetic location: 1p36.13.
Variant type: Duplication.
Coding change: c.143_144dup on transcript NM_003000.3 (MANE Select); coding-DNA positions 143 to 144, 2 bases duplicated (AC; older notation c.143_144dupAC).
Protein change: p.Pro49fs; shifts the reading frame from proline 49.
Molecular consequence: frameshift variant.
Genome position (GRCh38, 1-based): chr1:17,044,817-17,044,818, GT duplicated on the plus strand (AC on the coding strand, the reverse complement: SDHB is on the minus strand). VCF-style (leftmost placement, unchanged base first): chr1-17044816-G-GGT. GRCh37 (hg19) VCF-style: chr1-17371311-G-GGT.
Other names: c.143_144dupAC (NM_003000.2); short protein forms P49fs.
Identifiers: ClinVar variation 656223 (VCV000656223.8), dbSNP rs1570958038, ClinGen allele CA915941159.

ClinVar aggregate classification (germline): Pathogenic. Review status: criteria provided, multiple submitters, no conflicts (2 of 4 stars). 2 submissions from 2 submitters: Pathogenic (2). Last evaluated 2023-04-19.

Conditions:
Pheochromocytoma/paraganglioma syndrome 4. Also called: SDHB-Related Hereditary Paraganglioma-Pheochromocytoma Syndrome (Paragangliomas 4); SDHB-Related Hereditary Paraganglioma-Pheochromocytoma Syndrome; CAROTID BODY TUMORS AND MULTIPLE EXTRAADRENAL PHEOCHROMOCYTOMAS; PARAGANGLIOMA, FAMILIAL MALIGNANT; PARAGANGLIOMAS, HEREDITARY EXTRAADRENAL; PHEOCHROMOCYTOMA, FAMILIAL EXTRAADRENAL. Identifiers: Orphanet 29072, MedGen C1861848, MONDO:0007273, OMIM 115310.
Pheochromocytoma. Also called: MAX-Related Hereditary Paraganglioma-Pheochromocytoma Syndrome. Identifiers: Orphanet 29072, MedGen C0031511, MONDO:0008233, OMIM 171300, HP:0002666.
Gastrointestinal stromal tumor. Also called: Gastrointestinal stromal tumor, somatic; Gastrointestinal stroma tumor. Identifiers: Orphanet 44890, MedGen C0238198, MeSH D046152, MONDO:0011719, OMIM 606764, HP:0100723.
Hereditary cancer-predisposing syndrome. Also called: Neoplastic Syndromes, Hereditary; Tumor predisposition; Hereditary Cancer Syndrome; Hereditary neoplastic syndrome. Identifiers: Orphanet 140162, MedGen C0027672, MeSH D009386, MONDO:0015356.

Submissions (2):

Ambry Genetics
Classification: Pathogenic for Hereditary cancer-predisposing syndrome. Last evaluated: 2023-04-19. Review status: criteria provided, single submitter. Criteria: Ambry Variant Classification Scheme 2023. Collection method: clinical testing. Allele origin: germline.
Comment: The c.143_144dupAC pathogenic mutation, located in coding exon 2 of the SDHB gene, results from a duplication of AC at nucleotide position 143, causing a translational frameshift with a predicted alternate stop codon (p.P49Tfs*29). This variant is considered to be rare based on population cohorts in the Genome Aggregation Database (gnomAD). This alteration is expected to result in loss of function by premature protein truncation or nonsense-mediated mRNA decay. As such, this alteration is interpreted as a disease-causing mutation.

Labcorp Genetics (formerly Invitae), Labcorp
Classification: Pathogenic for Gastrointestinal stromal tumor; Pheochromocytoma/paraganglioma syndrome 4; Pheochromocytoma. Last evaluated: 2018-11-12. Review status: criteria provided, single submitter. Criteria: Invitae Variant Classification Sherloc (09022015). Collection method: clinical testing. Allele origin: germline.
Comment: For these reasons, this variant has been classified as Pathogenic. Loss-of-function variants in SDHB are known to be pathogenic (PMID: 19454582, 19802898). This variant has not been reported in the literature in individuals with SDHB-related disease. This variant is not present in population databases (ExAC no frequency). This sequence change creates a premature translational stop signal (p.Pro49Thrfs*29) in the SDHB gene. It is expected to result in an absent or disrupted protein product.

Literature cited by the submitters: PubMed 19454582 (cited by Labcorp Genetics (formerly Invitae), Labcorp); PubMed 19802898 (cited by Labcorp Genetics (formerly Invitae), Labcorp).